The following is an entry in ClinVar:

ClinVar aggregate classification (germline): Pathogenic/Likely pathogenic. Review status: criteria provided, multiple submitters, no conflicts (2 of 4 stars). 3 submissions from 3 submitters: Pathogenic (2); Likely pathogenic (1). Last evaluated 2026-02-13.

Conditions:
RGS9-related disorder. Also called: RGS9-related condition.
Prolonged electroretinal response suppression 1 (PERRS1). Also called: BRADYOPSIA 1. Identifiers: MedGen C5829874, MONDO:0958180, OMIM 608415.

Allele frequency attached by ClinVar (database versions not stated): gnomAD exomes below 0.00001.
gnomAD v4.1: 5 of 1,614,134 alleles (0.00031%); highest among the groups gnomAD compares: Non-Finnish European, 0.00034%; no homozygotes.

Submissions (3):

OLLIN Analises Genomicas, OLLIN
Classification: Pathogenic for Prolonged electroretinal response suppression 1. Last evaluated: 2026-02-13. Review status: criteria provided, single submitter. Criteria: ACMG Guidelines 2015 PMID 25741868. Collection method: clinical testing. Allele origin: germline. Observed: 1 variant allele.
Comment: PVS1, PM2_P

Labcorp Genetics (formerly Invitae), Labcorp
Classification: Pathogenic. Last evaluated: 2020-02-29. Review status: criteria provided, single submitter. Criteria: Invitae Variant Classification Sherloc (09022015). Collection method: clinical testing. Allele origin: germline.
Comment: For these reasons, this variant has been classified as Pathogenic. Loss-of-function variants in RGS9 are known to be pathogenic (PMID: 11262419, 14702087). This variant has not been reported in the literature in individuals with RGS9-related conditions. This variant is not present in population databases (ExAC no frequency). This sequence change creates a premature translational stop signal (p.Gln28*) in the RGS9 gene. It is expected to result in an absent or disrupted protein product.

Blueprint Genetics
Classification: Likely pathogenic for RGS9-related disorders. Last evaluated: 2019-08-09. Review status: criteria provided, single submitter. Criteria: ACMG Guidelines, 2015. Collection method: clinical testing. Allele origin: germline. Affected: yes. Observed: 1 variant allele.

Literature cited by the submitters: PubMed 11262419 (cited by Labcorp Genetics (formerly Invitae), Labcorp); PubMed 14702087 (cited by Labcorp Genetics (formerly Invitae), Labcorp).

NM_003835.4(RGS9):c.82C>T (p.Gln28Ter)

Gene: RGS9 (regulator of G protein signaling 9; plus strand). Cytogenetic location: 17q24.1.
Variant type: single nucleotide variant.
Coding change: c.82C>T on transcript NM_003835.4 (MANE Select); coding-DNA position 82, C replaced by T.
Protein change: p.Gln28Ter; replaces glutamine 28 with a stop codon.
Molecular consequence: nonsense.
Genome position (GRCh38, 1-based): chr17:65,153,446, C>T. VCF-style: chr17-65153446-C-T. GRCh37 (hg19) VCF-style: chr17-63149564-C-T.
Other names: c.82C>T, p.Gln28Ter (NM_001081955.3, NM_001165933.2); short protein forms Q28*.
Identifiers: ClinVar variation 962370 (VCV000962370.9), dbSNP rs1910656890, ClinGen allele CA400662803.